The following is an entry in ClinVar:

NM_001291303.3(FAT4):c.5780C>T (p.Thr1927Ile)

Gene: FAT4 (FAT atypical cadherin 4; plus strand). Cytogenetic location: 4q28.1.
Variant type: single nucleotide variant.
Coding change: c.5780C>T on transcript NM_001291303.3 (MANE Select); coding-DNA position 5780, C replaced by T.
Protein change: p.Thr1927Ile; replaces threonine 1927 with isoleucine.
Molecular consequence: missense variant.
Genome position (GRCh38, 1-based): chr4:125,408,654, C>T. VCF-style: chr4-125408654-C-T. GRCh37 (hg19) VCF-style: chr4-126329809-C-T.
Other names: c.5780C>T, p.Thr1927Ile (NM_001291285.3, NM_024582.6); short protein forms T1927I.
Identifiers: ClinVar variation 1392384 (VCV001392384.6), dbSNP rs1473579499, ClinGen allele CA358123562.

ClinVar aggregate classification (germline): Uncertain significance (1 of 4 stars; one submission).

Submission:

Labcorp Genetics (formerly Invitae), Labcorp
Classification: Uncertain significance. Last evaluated: 2021-12-16. Review status: criteria provided, single submitter. Criteria: Invitae Variant Classification Sherloc (09022015). Collection method: clinical testing. Allele origin: germline.
Comment: In summary, the available evidence is currently insufficient to determine the role of this variant in disease. Therefore, it has been classified as a Variant of Uncertain Significance. Advanced modeling of protein sequence and biophysical properties (such as structural, functional, and spatial information, amino acid conservation, physicochemical variation, residue mobility, and thermodynamic stability) performed at Invitae indicates that this missense variant is not expected to disrupt FAT4 protein function. This variant has not been reported in the literature in individuals affected with FAT4-related conditions. This variant is not present in population databases (gnomAD no frequency). This sequence change replaces threonine, which is neutral and polar, with isoleucine, which is neutral and non-polar, at codon 1927 of the FAT4 protein (p.Thr1927Ile).